The following is an entry in ClinVar:

ClinVar aggregate classification (germline): Uncertain significance. Review status: criteria provided, multiple submitters, no conflicts (2 of 4 stars). 2 submissions from 2 submitters: Uncertain significance (2). Last evaluated 2025-07-15.

Conditions:
Cardiovascular phenotype. Identifiers: MedGen CN230736.
Cholestanol storage disease (CTX). Also called: Cerebrotendinous Xanthomatosis; CEREBRAL CHOLESTERINOSIS; CTX: Cerebrotendinous xanthomatosis. Identifiers: Orphanet 909, MedGen C0238052, MONDO:0008948, OMIM 213700.

Allele frequency attached by ClinVar (database versions not stated): gnomAD 0.00001; TOPMed 0.00002.
gnomAD v4.1: 1 of 1,614,256 alleles (0.000062%); highest among the groups gnomAD compares: African/African-American, 0.0013%; no homozygotes.

Submissions (2):

Ambry Genetics
Classification: Uncertain significance for Cardiovascular phenotype. Last evaluated: 2025-07-15. Review status: criteria provided, single submitter. Criteria: Ambry Variant Classification Scheme 2023. Collection method: clinical testing. Allele origin: germline.
Comment: The p.L508F variant (also known as c.1524G>C), located in coding exon 9 of the CYP27A1 gene, results from a G to C substitution at nucleotide position 1524. The leucine at codon 508 is replaced by phenylalanine, an amino acid with highly similar properties. This amino acid position is conserved. In addition, this alteration is predicted to be tolerated by in silico analysis. Based on the available evidence, the clinical significance of this variant remains unclear.

Labcorp Genetics (formerly Invitae), Labcorp
Classification: Uncertain significance for Cholestanol storage disease. Last evaluated: 2025-02-03. Review status: criteria provided, single submitter. Criteria: Invitae Variant Classification Sherloc (09022015). Collection method: clinical testing. Allele origin: germline.
Comment: This sequence change replaces leucine, which is neutral and non-polar, with phenylalanine, which is neutral and non-polar, at codon 508 of the CYP27A1 protein (p.Leu508Phe). This variant is not present in population databases (gnomAD no frequency). This variant has not been reported in the literature in individuals affected with CYP27A1-related conditions. ClinVar contains an entry for this variant (Variation ID: 1494288). Invitae Evidence Modeling of protein sequence and biophysical properties (such as structural, functional, and spatial information, amino acid conservation, physicochemical variation, residue mobility, and thermodynamic stability) has been performed for this missense variant. However, the output from this modeling did not meet the statistical confidence thresholds required to predict the impact of this variant on CYP27A1 protein function. In summary, the available evidence is currently insufficient to determine the role of this variant in disease. Therefore, it has been classified as a Variant of Uncertain Significance.

NM_000784.4(CYP27A1):c.1524G>C (p.Leu508Phe)

Gene: CYP27A1 (cytochrome P450 family 27 subfamily A member 1; plus strand). Cytogenetic location: 2q35.
Variant type: single nucleotide variant.
Coding change: c.1524G>C on transcript NM_000784.4 (MANE Select); coding-DNA position 1524, G replaced by C.
Protein change: p.Leu508Phe; replaces leucine 508 with phenylalanine.
Molecular consequence: missense variant.
Genome position (GRCh38, 1-based): chr2:218,814,958, G>C. VCF-style: chr2-218814958-G-C. GRCh37 (hg19) VCF-style: chr2-219679681-G-C.
Other names: c.1524G>C (NM_000784.3); short protein forms L508F.
Identifiers: ClinVar variation 1494288 (VCV001494288.8), dbSNP rs970661282, ClinGen allele CA65835852.